The following is an entry in ClinVar:

ClinVar aggregate classification (germline): Pathogenic (1 of 4 stars; one submission).

Conditions:
Baller-Gerold syndrome (BGS). Also called: CRANIOSYNOSTOSIS WITH RADIAL DEFECTS. Identifiers: Orphanet 1225, MedGen C0265308, MONDO:0009039, OMIM 218600.

Submission:

Labcorp Genetics (formerly Invitae), Labcorp
Classification: Pathogenic for Baller-Gerold syndrome. Last evaluated: 2022-07-25. Review status: criteria provided, single submitter. Criteria: Invitae Variant Classification Sherloc (09022015). Collection method: clinical testing. Allele origin: germline.
Comment: For these reasons, this variant has been classified as Pathogenic. This variant has not been reported in the literature in individuals affected with RECQL4-related conditions. This variant is present in population databases (no rsID available, gnomAD 0.04%). This sequence change creates a premature translational stop signal (p.Arg1005*) in the RECQL4 gene. It is expected to result in an absent or disrupted protein product. Loss-of-function variants in RECQL4 are known to be pathogenic (PMID: 12734318, 12952869).

Literature cited by the submitters: PubMed 12734318; PubMed 12952869.

NM_004260.4(RECQL4):c.3013_3014delinsTA (p.Arg1005Ter)

Gene: RECQL4 (RecQ like helicase 4; minus strand). Cytogenetic location: 8q24.3.
Variant type: Indel.
Coding change: c.3013_3014delinsTA on transcript NM_004260.4 (MANE Select); coding-DNA positions 3013 to 3014, CG replaced by TA.
Protein change: p.Arg1005Ter; replaces arginine 1005 with a stop codon.
Molecular consequence: nonsense.
Genome position (GRCh38, 1-based): chr8:144,512,433-144,512,434, CG replaced by TA on the plus strand (CG replaced by TA on the coding strand, the reverse complement: RECQL4 is on the minus strand). VCF-style: chr8-144512433-CG-TA. GRCh37 (hg19) VCF-style: chr8-145737816-CG-TA.
Other names: c.2719_2720delCGinsTA, p.Arg907Ter (NM_001413017.1); c.2815_2816delCGinsTA, p.Arg939Ter (NM_001413018.1); c.3088_3089delCGinsTA, p.Arg1030Ter (NM_001413019.1); c.2917_2918delCGinsTA, p.Arg973Ter (NM_001413020.1); c.1942_1943delCGinsTA, p.Arg648Ter (NM_001413021.1, NM_001413022.1, NM_001413024.1 and 4 more transcripts); c.2017_2018delCGinsTA, p.Arg673Ter (NM_001413023.1); c.3013_3014delCGinsTA, p.Arg1005Ter (NM_001413036.1); c.1810_1811delCGinsTA, p.Arg604Ter (NM_001413037.1); and 9 more; short protein forms R1030*, R648*, R651*, R888*, R907*, R962*, R1005*, R516*.
Identifiers: ClinVar variation 2019643 (VCV002019643.4), dbSNP rs2537984933, ClinGen allele CA2580078824.